The following is an entry in ClinVar:

ClinVar aggregate classification (germline): Pathogenic. Review status: criteria provided, multiple submitters, no conflicts (2 of 4 stars). 2 submissions from 2 submitters: Pathogenic (2). Last evaluated 2018-08-26.

Conditions:
Long QT syndrome (LQTS). Identifiers: MedGen C0023976, MeSH D008133, MONDO:0002442. Disease mechanism: loss of function. Inheritance: Various modes of inheritance.

Submissions (2):

Labcorp Genetics (formerly Invitae), Labcorp
Classification: Pathogenic for Long QT syndrome. Last evaluated: 2018-08-26. Review status: criteria provided, single submitter. Criteria: Invitae Variant Classification Sherloc (09022015). Collection method: clinical testing. Allele origin: germline.
Comment: This sequence change creates a premature translational stop signal (p.Tyr1009*) in the KCNH2 gene. It is expected to result in an absent or disrupted protein product. The frequency data for this variant in the population databases is considered unreliable, as metrics indicate insufficient coverage at this position in the ExAC database. This variant has not been reported in the literature in individuals with KCNH2-related disease. ClinVar contains an entry for this variant (Variation ID: 379293). Loss-of-function variants in KCNH2 are known to be pathogenic (PMID: 19862833). For these reasons, this variant has been classified as Pathogenic.

GeneDx
Classification: Pathogenic. Last evaluated: 2015-03-31. Review status: criteria provided, single submitter. Criteria: GeneDx Variant Classification (06012015). Collection method: clinical testing. Allele origin: germline. Affected: yes.
Comment: The Y1009X variant in the KCNH2 gene has not been reported as a pathogenic variant or as a benign polymorphism to our knowledge. Y1009X is predicted to cause loss of normal protein function either by protein truncation or nonsense-mediated mRNA decay. Other nonsense variants in the KCNH2 gene have been reported in HGMD in association with LQTS (Stenson P et al., 2014). The Y1009X variant was not observed in approximately 6100 individuals of European and African American ancestry in the NHLBI Exome Sequencing Project, indicating it is not a common benign variant in these populations. In summary, Y1009X in the KCNH2 gene is interpreted as a pathogenic variant.

Literature cited by the submitters: PubMed 19862833 (cited by Labcorp Genetics (formerly Invitae), Labcorp).

NM_000238.4(KCNH2):c.3027C>G (p.Tyr1009Ter)

Gene: KCNH2 (potassium voltage-gated channel subfamily H member 2; minus strand). Cytogenetic location: 7q36.1.
Variant type: single nucleotide variant.
Coding change: c.3027C>G on transcript NM_000238.4 (MANE Select); coding-DNA position 3027, C replaced by G.
Protein change: p.Tyr1009Ter; replaces tyrosine 1009 with a stop codon.
Molecular consequence: nonsense.
Genome position (GRCh38, 1-based): chr7:150,947,453, G>C on the plus strand (C>G on the coding strand, the complement: KCNH2 is on the minus strand). VCF-style: chr7-150947453-G-C. GRCh37 (hg19) VCF-style: chr7-150644541-G-C.
Other names: c.2007C>G, p.Tyr669Ter (NM_172057.3); short protein forms Y1009*, Y669*.
Identifiers: ClinVar variation 379293 (VCV000379293.8), dbSNP rs1057520558, ClinGen allele CA16605072.